The following is an entry in ClinVar:

ClinVar aggregate classification (germline): Uncertain significance (1 of 4 stars; one submission).

Conditions:
Ciliary dyskinesia, primary, 37 (CILD37). Also called: CILIARY DYSKINESIA, PRIMARY, 37, WITH OR WITHOUT SITUS INVERSUS. Identifiers: MedGen C4539798, MONDO:0033204, OMIM 617577.
Spermatogenic failure 18. Identifiers: MedGen C4539783, MONDO:0054615, OMIM 617576.

Allele frequency attached by ClinVar (database versions not stated): gnomAD 0.00001; gnomAD exomes 0.00001; TOPMed 0.00002.
gnomAD v4.1: 8 of 1,605,176 alleles (0.0005%); highest among the groups gnomAD compares: Admixed American, 0.0034%; no homozygotes.

Submission:

Labcorp Genetics (formerly Invitae), Labcorp
Classification: Uncertain significance for Ciliary dyskinesia, primary, 37; Spermatogenic failure 18. Last evaluated: 2024-04-02. Review status: criteria provided, single submitter. Criteria: Invitae Variant Classification Sherloc (09022015). Collection method: clinical testing. Allele origin: germline.
Comment: This sequence change replaces alanine, which is neutral and non-polar, with valine, which is neutral and non-polar, at codon 2578 of the DNAH1 protein (p.Ala2578Val). The frequency data for this variant in the population databases is considered unreliable, as metrics indicate poor data quality at this position in the gnomAD database. This variant has not been reported in the literature in individuals affected with DNAH1-related conditions. ClinVar contains an entry for this variant (Variation ID: 1430856). Advanced modeling of protein sequence and biophysical properties (such as structural, functional, and spatial information, amino acid conservation, physicochemical variation, residue mobility, and thermodynamic stability) performed at Invitae indicates that this missense variant is not expected to disrupt DNAH1 protein function with a negative predictive value of 80%. Algorithms developed to predict the effect of sequence changes on RNA splicing suggest that this variant may disrupt the consensus splice site. In summary, the available evidence is currently insufficient to determine the role of this variant in disease. Therefore, it has been classified as a Variant of Uncertain Significance.

NM_015512.5(DNAH1):c.7733C>T (p.Ala2578Val)

Gene: DNAH1 (dynein axonemal heavy chain 1; plus strand). Cytogenetic location: 3p21.1.
Variant type: single nucleotide variant.
Coding change: c.7733C>T on transcript NM_015512.5 (MANE Select); coding-DNA position 7733, C replaced by T.
Protein change: p.Ala2578Val; replaces alanine 2578 with valine.
Molecular consequence: missense variant.
Genome position (GRCh38, 1-based): chr3:52,381,764, C>T. VCF-style: chr3-52381764-C-T. GRCh37 (hg19) VCF-style: chr3-52415780-C-T.
Other names: short protein forms A2578V.
Identifiers: ClinVar variation 1430856 (VCV001430856.5), dbSNP rs1479974777, ClinGen allele CA353180336.